The following is an entry in ClinVar:

ClinVar aggregate classification (germline): Benign. Review status: reviewed by expert panel (3 of 4 stars). 13 submissions from 11 submitters: Benign (1). 12 of the submissions do not count toward it. Last evaluated 2021-03-17.

Conditions:
Congenital multicore myopathy with external ophthalmoplegia (CMYO1B). Also called: Congenital myopathy 1B, autosomal recessive; Minicore myopathy; MULTICORE MYOPATHY; MULTIMINICORE DISEASE WITH EXTERNAL OPHTHALMOPLEGIA; Minicore myopathy with external ophthalmoplegia. Identifiers: Orphanet 598, Orphanet 98905, MedGen C1850674, MONDO:0009712, OMIM 255320, HP:0003789.
Central core myopathy (CMYO1A). Also called: CONGENITAL MYOPATHY 1A, AUTOSOMAL DOMINANT, WITH SUSCEPTIBILITY TO MALIGNANT HYPERTHERMIA; Central core disease; Myopathy, central fibrillar. Identifiers: Orphanet 597, MedGen C5830701, MONDO:0007294, OMIM 117000.
Congenital myopathy with fiber type disproportion. Also called: Congenital fiber-type disproportion; Congenital fiber-type disproportion myopathy. Identifiers: Orphanet 2020, MedGen C0546264, MONDO:0009711. Inheritance: all.
King Denborough syndrome (KDS). Identifiers: MedGen C1840365, MONDO:0020485, OMIM 619542.
Malignant hyperthermia, susceptibility to, 1 (MHS1). Also called: Malignant hyperthermia suceptibility 1; Anesthesia related hyperthermia; Malignant hyperpyrexia; Fulminating hyperpyrexia; Pharmacogenic myopathy; RYR1-Related Malignant Hyperthermia Susceptibility. Identifiers: Orphanet 423, MedGen C2930980, MONDO:0007783, OMIM 145600.
RYR1-related disorder. Also called: RYR1-related disorders; RYR1-related condition. Identifiers: MedGen CN239331.
Inborn genetic diseases. Identifiers: MedGen C0950123, MeSH D030342.

Allele frequency attached by ClinVar (database versions not stated): gnomAD exomes 0.00044 and 0.00336; gnomAD 0.00440 and 0.00471; TOPMed 0.00479; 1000 Genomes Project 30x 0.00484.
gnomAD v4.1: 1,021 of 993,236 alleles (0.1%); highest among the groups gnomAD compares: African/African-American, 1.6%; 8 homozygotes.

Submissions (13):

ClinGen Malignant Hyperthermia Susceptibility Variant Curation Expert Panel, ClinGen
Classification: Benign for Malignant hyperthermia, susceptibility to, 1. Last evaluated: 2021-03-17. Review status: reviewed by expert panel. Criteria: ClinGen MHS ACMG Specifications V1. Collection method: curation. Allele origin: germline. Inheritance: Autosomal dominant inheritance. Study: ClinGen.
Comment: This pathogenicity assessment is relevant only for malignant hyperthermia susceptibility (MHS) inherited in an autosomal dominant pattern. Variants in RYR1 can also cause other myopathies inherited in an autosomal dominant pattern or in an autosomal recessive pattern. Some of these disorders may predispose individuals to malignant hyperthermia. RYR1 variants may also contribute to a malignant hyperthermia reaction in combination with other genetic and non-genetic factors and the clinician needs to consider such factors in making management decisions. This sequence variant predicts a substitution of Threonine with Methionine at codon 4294 of the RYR1 protein, p.(Thr4294Met). The maximum allele frequency for this variant among the six major gnomAD populations is AFR: 0.0193, which is considered to be too common for a pathogenic variant causing autosomal dominantly inherited MHS, BA1. This variant has been classified as Benign. Criteria implemented: BA1.

CeGaT Center for Human Genetics Tuebingen
Classification: Likely benign. Last evaluated: 2026-08-01. Review status: criteria provided, single submitter. Criteria: CeGaT Center For Human Genetics Tuebingen Variant Classification Criteria Version 2. Collection method: clinical testing. Allele origin: germline. Affected: yes. Observed: 2 variant alleles. Not counted in ClinVar's aggregate classification.
Comment: RYR1: PP3, BS1

Labcorp Genetics (formerly Invitae), Labcorp
Classification: Likely benign for RYR1-related disorder. Last evaluated: 2026-01-31. Review status: criteria provided, single submitter. Criteria: Invitae Variant Classification Sherloc (09022015). Collection method: clinical testing. Allele origin: germline. Not counted in ClinVar's aggregate classification.

Blueprint Genetics
Classification: Benign. Last evaluated: 2024-11-21. Review status: criteria provided, single submitter. Criteria: ACMG Guidelines, 2015. Collection method: clinical testing. Allele origin: germline. Not counted in ClinVar's aggregate classification.

Fulgent Genetics
Classification: Likely benign for Central core myopathy; Malignant hyperthermia, susceptibility to, 1; Congenital myopathy 4A, autosomal dominant; Congenital multicore myopathy with external ophthalmoplegia; King Denborough syndrome. Last evaluated: 2022-04-29. Review status: criteria provided, single submitter. Criteria: ACMG Guidelines, 2015. Collection method: clinical testing. Allele origin: unknown. Not counted in ClinVar's aggregate classification.

GeneDx
Classification: Benign. Last evaluated: 2020-07-22. Review status: criteria provided, single submitter. Criteria: GeneDx Variant Classification Process June 2021. Collection method: clinical testing. Allele origin: germline. Affected: yes. Not counted in ClinVar's aggregate classification.
Comment: This variant is associated with the following publications: (PMID: 19807743, 23476141, 28326467, 27663056)

Illumina Laboratory Services, Illumina
Classification: Uncertain significance for Central core myopathy. Last evaluated: 2019-01-28. Review status: criteria provided, single submitter. Criteria: ICSL Variant Classification Criteria 13 December 2019. Collection method: clinical testing. Allele origin: germline. Not counted in ClinVar's aggregate classification.

Illumina Laboratory Services, Illumina
Classification: Uncertain significance for Malignant hyperthermia, susceptibility to, 1. Last evaluated: 2019-01-28. Review status: criteria provided, single submitter. Criteria: ICSL Variant Classification Criteria 13 December 2019. Collection method: clinical testing. Allele origin: germline. Not counted in ClinVar's aggregate classification.
Comment: This variant was observed as part of a predisposition screen in an ostensibly healthy population. A literature search was performed for the gene, cDNA change, and amino acid change (where applicable). Publications were found based on this search. However, the evidence from the literature, in combination with allele frequency data from public databases where available, was not sufficient to rule this variant in or out of causing disease. Therefore, this variant is classified as a variant of unknown significance.

Illumina Laboratory Services, Illumina
Classification: Uncertain significance for Congenital multicore myopathy with external ophthalmoplegia. Last evaluated: 2019-01-28. Review status: criteria provided, single submitter. Criteria: ICSL Variant Classification Criteria 13 December 2019. Collection method: clinical testing. Allele origin: germline. Not counted in ClinVar's aggregate classification.

Eurofins Ntd Llc (ga)
Classification: Uncertain significance. Last evaluated: 2017-09-27. Review status: criteria provided, single submitter. Criteria: EGL Classification Definitions 2015. Collection method: clinical testing. Allele origin: germline. Observed: 3 variant alleles, 3 heterozygotes. Not counted in ClinVar's aggregate classification.

Ambry Genetics
Classification: Uncertain significance for Inborn genetic diseases. Last evaluated: 2016-03-04. Review status: criteria provided, single submitter. Criteria: Ambry exome assertion method (8-5-2015). Collection method: clinical testing. Allele origin: germline. Affected: yes. Observed: 1 variant allele. Not counted in ClinVar's aggregate classification.

Genetic Services Laboratory, University of Chicago
Classification: Uncertain significance. Last evaluated: 2014-01-23. Review status: criteria provided, single submitter. Criteria: ACMG Guidelines, 2007. Collection method: clinical testing. Allele origin: germline. Inheritance: Autosomal unknown. Not counted in ClinVar's aggregate classification.

PreventionGenetics, part of Exact Sciences
Classification: Likely benign for RYR1-related condition. Last evaluated: 2023-04-13. Review status: no assertion criteria provided. Collection method: clinical testing. Allele origin: germline. Not counted in ClinVar's aggregate classification.
Comment: This variant is classified as likely benign based on ACMG/AMP sequence variant interpretation guidelines (Richards et al. 2015 PMID: 25741868, with internal and published modifications).

Literature cited by the submitters: PubMed 23476141 (cited by Illumina Laboratory Services, Illumina); PubMed 19807743 (cited by Illumina Laboratory Services, Illumina and Eurofins Ntd Llc (ga)).

NM_000540.3(RYR1):c.12881C>T (p.Thr4294Met)

Gene: RYR1 (ryanodine receptor 1; plus strand). Cytogenetic location: 19q13.2.
Variant type: single nucleotide variant.
Coding change: c.12881C>T on transcript NM_000540.3 (MANE Select); coding-DNA position 12881, C replaced by T.
Protein change: p.Thr4294Met; replaces threonine 4294 with methionine.
Molecular consequence: missense variant.
Genome position (GRCh38, 1-based): chr19:38,565,215, C>T. VCF-style: chr19-38565215-C-T. GRCh37 (hg19) VCF-style: chr19-39055855-C-T.
Other names: NM_000540.2(RYR1):c.12881C>T; p.Thr4294Met; c.12866C>T, p.Thr4289Met (NM_001042723.2); short protein forms T4294M, T4289M.
Identifiers: ClinVar variation 159834 (VCV000159834.53), dbSNP rs587784372, ClinGen allele CA024017.